The following is an entry in ClinVar:

ClinVar aggregate classification (germline): Uncertain significance. Review status: criteria provided, multiple submitters, no conflicts (2 of 4 stars). 2 submissions from 2 submitters: Uncertain significance (2). Last evaluated 2024-10-07.

Conditions:
Severe early-onset pulmonary alveolar proteinosis due to MARS deficiency. Also called: PULMONARY ALVEOLAR PROTEINOSIS, REUNION ISLAND; Interstitial lung and liver disease. Identifiers: Orphanet 440427, MedGen C4225400, MONDO:0014206, OMIM 615486.
Charcot-Marie-Tooth disease axonal type 2U. Also called: CHARCOT-MARIE-TOOTH NEUROPATHY, TYPE 2U; CHARCOT-MARIE-TOOTH DISEASE, AXONAL, AUTOSOMAL DOMINANT, TYPE 2U. Identifiers: Orphanet 397735, MedGen C4084821, MONDO:0014566, OMIM 616280.

Allele frequency attached by ClinVar (database versions not stated): TOPMed below 0.00001; gnomAD 0.00001; gnomAD exomes 0.00001; ExAC 0.00002.
gnomAD v4.1: 17 of 1,614,000 alleles (0.0011%); highest among the groups gnomAD compares: Non-Finnish European, 0.0013%; no homozygotes.

Submissions (2):

Labcorp Genetics (formerly Invitae), Labcorp
Classification: Uncertain significance for Charcot-Marie-Tooth disease axonal type 2U; Severe early-onset pulmonary alveolar proteinosis due to MARS deficiency. Last evaluated: 2024-10-07. Review status: criteria provided, single submitter. Criteria: Invitae Variant Classification Sherloc (09022015). Collection method: clinical testing. Allele origin: germline.
Comment: This sequence change replaces serine, which is neutral and polar, with glycine, which is neutral and non-polar, at codon 764 of the MARS protein (p.Ser764Gly). This variant is present in population databases (rs773571063, gnomAD 0.002%). This variant has not been reported in the literature in individuals affected with MARS-related conditions. ClinVar contains an entry for this variant (Variation ID: 1681784). An algorithm developed to predict the effect of missense changes on protein structure and function (PolyPhen-2) suggests that this variant is likely to be tolerated. In summary, the available evidence is currently insufficient to determine the role of this variant in disease. Therefore, it has been classified as a Variant of Uncertain Significance.

Ambry Genetics
Classification: Uncertain significance. Last evaluated: 2022-11-08. Review status: criteria provided, single submitter. Criteria: Ambry Variant Classification Scheme 2023. Collection method: clinical testing. Allele origin: germline.

NM_004990.4(MARS1):c.2290A>G (p.Ser764Gly)

Gene: MARS1 (methionyl-tRNA synthetase 1; plus strand). Cytogenetic location: 12q13.3.
Variant type: single nucleotide variant.
Coding change: c.2290A>G on transcript NM_004990.4 (MANE Select); coding-DNA position 2290, A replaced by G.
Protein change: p.Ser764Gly; replaces serine 764 with glycine.
Molecular consequence: missense variant.
Genome position (GRCh38, 1-based): chr12:57,515,235, A>G. VCF-style: chr12-57515235-A-G. GRCh37 (hg19) VCF-style: chr12-57909018-A-G.
Other names: c.2290A>G (NM_004990.3); short protein forms S764G.
Identifiers: ClinVar variation 1681784 (VCV001681784.7), dbSNP rs773571063, ClinGen allele CA6650771.
Genomic context (GRCh38, chr12:57,515,235, plus strand): 5'-TTGGCAGTGAATATAGCTGCCTTGCTCTCTGTCATGCTTCAGCCTTACATGCCCACGGTT[A>G]GTGCCACAATCCAGGCCCAGCTGCAGCTCCCACCTCCAGCCTGCAGTATCCTGCTGACAA-3'
Protein context (NP_004981.2, residues 754-774): VMLQPYMPTV[Ser764Gly]ATIQAQLQLP